The following is an entry in ClinVar:

ClinVar aggregate classification (germline): Conflicting classifications of pathogenicity. Review status: criteria provided, conflicting classifications (1 of 4 stars). 3 submissions from 3 submitters: Uncertain significance (1); Benign (2). Last evaluated 2026-07-01.

Allele frequency attached by ClinVar (database versions not stated): 1000 Genomes Project 0.00519; 1000 Genomes Project 30x 0.00547; gnomAD 0.00682 and 0.00710; TOPMed 0.00700; gnomAD exomes 0.00785 and 0.01248; ExAC 0.00800; ESP Exome Variant Server 0.01053.
gnomAD v4.1: 18,890 of 1,586,698 alleles (1.2%); highest among the groups gnomAD compares: South Asian, 1.4%; 146 homozygotes.

Submissions (3):

CeGaT Center for Human Genetics Tuebingen
Classification: Benign. Last evaluated: 2026-07-01. Review status: criteria provided, single submitter. Criteria: CeGaT Center For Human Genetics Tuebingen Variant Classification Criteria Version 2. Collection method: clinical testing. Allele origin: germline. Affected: yes. Observed: 9 variant alleles.
Comment: SPEF2: BP4, BS1, BS2

Labcorp Genetics (formerly Invitae), Labcorp
Classification: Benign. Last evaluated: 2017-10-17. Review status: criteria provided, single submitter. Criteria: Invitae Variant Classification Sherloc (09022015). Collection method: clinical testing. Allele origin: germline.

Laboratory for Molecular Medicine, Mass General Brigham Personalized Medicine
Classification: Uncertain significance. Last evaluated: 2016-03-29. Review status: criteria provided, single submitter. Criteria: LMM Criteria. Collection method: clinical testing. Allele origin: germline.
Comment: Variant identified in a genome or exome case(s) and assessed due to predicted null impact of the variant or pathogenic assertions in the literature or databases. Disclaimer: This variant has not undergone full assessment. The following are preliminary notes: Candidate PCD gene, but frequency is high

NM_024867.4(SPEF2):c.3802-8G>A

Gene: SPEF2 (sperm flagellar and cilia associated 2; plus strand). Cytogenetic location: 5p13.2.
Variant type: single nucleotide variant.
Coding change: c.3802-8G>A on transcript NM_024867.4 (MANE Select); 8 bases into the intron before coding-DNA position 3802, G replaced by A.
Molecular consequence: intron variant.
Genome position (GRCh38, 1-based): chr5:35,771,601, G>A. VCF-style: chr5-35771601-G-A. GRCh37 (hg19) VCF-style: chr5-35771703-G-A.
Identifiers: ClinVar variation 403484 (VCV000403484.32), dbSNP rs138022749, ClinGen allele CA3231232.